The following is an entry in ClinVar:

ClinVar aggregate classification (germline): Conflicting classifications of pathogenicity. Review status: criteria provided, conflicting classifications (1 of 4 stars). 4 submissions from 4 submitters: Uncertain significance (3); Likely benign (1). Last evaluated 2025-12-06.

Conditions:
Inborn genetic diseases. Identifiers: MedGen C0950123, MeSH D030342.
Warts, hypogammaglobulinemia, infections, and myelokathexis. Also called: WHIM syndrome. Identifiers: MedGen C0472817, MONDO:0023880.

Allele frequency attached by ClinVar (database versions not stated): ExAC 0.00002; gnomAD exomes 0.00002 and 0.00004; gnomAD 0.00005; TOPMed 0.00005.
gnomAD v4.1: 62 of 1,614,080 alleles (0.0038%); highest among the groups gnomAD compares: Non-Finnish European, 0.0049%; no homozygotes.

Submissions (4):

Labcorp Genetics (formerly Invitae), Labcorp
Classification: Uncertain significance for Warts, hypogammaglobulinemia, infections, and myelokathexis. Last evaluated: 2025-12-06. Review status: criteria provided, single submitter. Criteria: Invitae Variant Classification Sherloc (09022015). Collection method: clinical testing. Allele origin: germline.
Comment: This sequence change replaces leucine, which is neutral and non-polar, with phenylalanine, which is neutral and non-polar, at codon 194 of the CXCR4 protein (p.Leu194Phe). This variant is present in population databases (rs769772228, gnomAD 0.004%). This variant has not been reported in the literature in individuals affected with CXCR4-related conditions. ClinVar contains an entry for this variant (Variation ID: 624148). An algorithm developed to predict the effect of missense changes on protein structure and function (PolyPhen-2) suggests that this variant is likely to be disruptive. In summary, the available evidence is currently insufficient to determine the role of this variant in disease. Therefore, it has been classified as a Variant of Uncertain Significance.

Ambry Genetics
Classification: Uncertain significance for Inborn genetic diseases. Last evaluated: 2022-04-12. Review status: criteria provided, single submitter. Criteria: Ambry Variant Classification Scheme 2023. Collection method: clinical testing. Allele origin: germline.

Blueprint Genetics
Classification: Uncertain significance. Last evaluated: 2021-12-22. Review status: criteria provided, single submitter. Criteria: ACMG Guidelines, 2015. Collection method: clinical testing. Allele origin: germline.

CeGaT Center for Human Genetics Tuebingen
Classification: Likely benign. Last evaluated: 2018-04-01. Review status: criteria provided, single submitter. Criteria: CeGaT Center For Human Genetics Tuebingen Variant Classification Criteria Version 2. Collection method: clinical testing. Allele origin: germline. Affected: yes. Observed: 1 variant allele.

NM_003467.3(CXCR4):c.582G>C (p.Leu194Phe)

Gene: CXCR4 (C-X-C motif chemokine receptor 4; minus strand). Cytogenetic location: 2q22.1.
Variant type: single nucleotide variant.
Coding change: c.582G>C on transcript NM_003467.3 (MANE Select); coding-DNA position 582, G replaced by C.
Protein change: p.Leu194Phe; replaces leucine 194 with phenylalanine.
Molecular consequence: missense variant.
Genome position (GRCh38, 1-based): chr2:136,115,346, C>G on the plus strand (G>C on the coding strand, the complement: CXCR4 is on the minus strand). VCF-style: chr2-136115346-C-G. GRCh37 (hg19) VCF-style: chr2-136872916-C-G.
Other names: c.594G>C, p.Leu198Phe (NM_001008540.2); c.795G>C, p.Leu265Phe (NM_001348056.2); c.681G>C, p.Leu227Phe (NM_001348059.2); c.537G>C, p.Leu179Phe (NM_001348060.2); short protein forms L194F, L179F, L198F, L227F, L265F.
Identifiers: ClinVar variation 624148 (VCV000624148.53), dbSNP rs769772228, ClinGen allele CA1890101.